The following is an entry in ClinVar:

ClinVar aggregate classification (germline): Pathogenic (1 of 4 stars; one submission).

Conditions:
Familial cancer of breast. Also called: Hereditary breast cancer; hereditary breast carcinoma; BREAST CANCER, FAMILIAL. Identifiers: Orphanet 227535, MedGen C0346153, MONDO:0016419, OMIM 114480. Disease mechanism: loss of function.

Submission:

Labcorp Genetics (formerly Invitae), Labcorp
Classification: Pathogenic for Familial cancer of breast. Last evaluated: 2019-01-02. Review status: criteria provided, single submitter. Criteria: Invitae Variant Classification Sherloc (09022015). Collection method: clinical testing. Allele origin: germline.
Comment: For these reasons, this variant has been classified as Pathogenic. Loss-of-function variants in CHEK2 are known to be pathogenic (PMID: 21876083, 24713400). This variant has not been reported in the literature in individuals with CHEK2-related conditions. This variant is not present in population databases (ExAC no frequency). This sequence change creates a premature translational stop signal (p.Gln330Argfs*19) in the CHEK2 gene. It is expected to result in an absent or disrupted protein product.

Literature cited by the submitters: PubMed 21876083; PubMed 24713400.

NM_007194.4(CHEK2):c.989del (p.Gln330fs)

Gene: CHEK2 (checkpoint kinase 2; minus strand). Cytogenetic location: 22q12.1.
Variant type: Deletion.
Coding change: c.989del on transcript NM_007194.4 (MANE Select); coding-DNA position 989, one base deleted (A; older notation c.989delA).
Protein change: p.Gln330fs; shifts the reading frame from glutamine 330.
Molecular consequence: frameshift variant.
Genome position (GRCh38, 1-based): chr22:28,699,857, T deleted on the plus strand (A on the coding strand, the reverse complement: CHEK2 is on the minus strand). VCF-style (leftmost placement, unchanged base first): chr22-28699856-CT-C. GRCh37 (hg19) VCF-style: chr22-29095844-CT-C.
Other names: c.1118delA, p.Gln373Argfs (NM_001005735.3); c.326delA, p.Gln109Argfs (NM_001257387.3); c.788delA, p.Gln263Argfs (NM_001349956.3); c.989delA, p.Gln330Argfs (NM_145862.3); short protein forms Q263fs, Q109fs, Q330fs, Q373fs.
Identifiers: ClinVar variation 853919 (VCV000853919.8), dbSNP rs2052759328, ClinGen allele CA916083800.